The following is an entry in ClinVar:

NM_000037.4(ANK1):c.3668T>C (p.Val1223Ala)

Gene: ANK1 (ankyrin 1; minus strand). Cytogenetic location: 8p11.21.
Variant type: single nucleotide variant.
Coding change: c.3668T>C on transcript NM_000037.4 (MANE Select); coding-DNA position 3668, T replaced by C.
Protein change: p.Val1223Ala; replaces valine 1223 with alanine.
Molecular consequence: missense variant.
Genome position (GRCh38, 1-based): chr8:41,692,838, A>G on the plus strand (T>C on the coding strand, the complement: ANK1 is on the minus strand). VCF-style: chr8-41692838-A-G. GRCh37 (hg19) VCF-style: chr8-41550356-A-G.
Other names: p.Val1223Ala; c.3791T>C, p.Val1264Ala (NM_001142446.2); c.3668T>C, p.Val1223Ala (NM_020475.3, NM_020476.3, NM_020477.3); short protein forms V1223A, V1264A.
Identifiers: ClinVar variation 708038 (VCV000708038.21), dbSNP rs185516533, ClinGen allele CA4727798.

ClinVar aggregate classification (germline): Conflicting classifications of pathogenicity. Review status: criteria provided, conflicting classifications (1 of 4 stars). 6 submissions from 5 submitters: Uncertain significance (1); Benign (3); Likely benign (2). Last evaluated 2025-11-25.

Conditions:
Hereditary spherocytosis type 1. Also called: Spherocytosis type 1; ANK1-Related Spherocytosis. Identifiers: Orphanet 822, MedGen C2674218, MONDO:0008447, OMIM 182900.
Spherocytosis. Identifiers: MedGen C0553720, HP:0004444.

Allele frequency attached by ClinVar (database versions not stated): gnomAD exomes 0.00027 and 0.00114; gnomAD 0.00033 and 0.00046; TOPMed 0.00059; ExAC 0.00101; 1000 Genomes Project 0.00240; 1000 Genomes Project 30x 0.00250.
gnomAD v4.1: 469 of 1,614,122 alleles (0.029%); highest among the groups gnomAD compares: East Asian, 0.82%; 3 homozygotes.

Submissions (6):

Labcorp Genetics (formerly Invitae), Labcorp
Classification: Benign. Last evaluated: 2025-11-25. Review status: criteria provided, single submitter. Criteria: Invitae Variant Classification Sherloc (09022015). Collection method: clinical testing. Allele origin: germline.

Mayo Clinic Laboratories, Mayo Clinic
Classification: Benign. Last evaluated: 2025-10-07. Review status: criteria provided, single submitter. Criteria: ACMG Guidelines, 2015. Collection method: clinical testing. Allele origin: germline. Observed: 2 variant alleles.
Comment: BS1, BS2

Blueprint Genetics
Classification: Likely benign. Last evaluated: 2024-11-11. Review status: criteria provided, single submitter. Criteria: ACMG Guidelines, 2015. Collection method: clinical testing. Allele origin: germline.

ARUP Laboratories, Molecular Genetics and Genomics, ARUP Laboratories
Classification: Likely benign for Hereditary spherocytosis type 1. Last evaluated: 2022-01-13. Review status: criteria provided, single submitter. Criteria: ARUP Molecular Germline Variant Investigation Process 2021. Collection method: clinical testing. Allele origin: germline.

Illumina Laboratory Services, Illumina
Classification: Benign for Hereditary spherocytosis type 1. Last evaluated: 2018-01-12. Review status: criteria provided, single submitter. Criteria: ICSL Variant Classification Criteria 13 December 2019. Collection method: clinical testing. Allele origin: germline.
Comment: This variant was observed in the ICSL laboratory as part of a predisposition screen in an ostensibly healthy population. It had not been previously curated by ICSL or reported in the Human Gene Mutation Database (HGMD: prior to June 1st, 2018), and was therefore a candidate for classification through an automated scoring system. Utilizing variant allele frequency, disease prevalence and penetrance estimates, and inheritance mode, an automated score was calculated to assess if this variant is too frequent to cause the disease. Based on the score and internal cut-off values, a variant classified as benign is not then subjected to further curation. The score for this variant resulted in a classification of benign for this disease.

Illumina Laboratory Services, Illumina
Classification: Uncertain significance for Spherocytosis. Last evaluated: 2018-01-12. Review status: criteria provided, single submitter. Criteria: ICSL Variant Classification Criteria 13 December 2019. Collection method: clinical testing. Allele origin: germline.

Literature cited by the submitters: PubMed 37040722 (cited by Mayo Clinic Laboratories, Mayo Clinic).